The following is an entry in ClinVar:

ClinVar aggregate classification (germline): Uncertain significance. Review status: criteria provided, multiple submitters, no conflicts (2 of 4 stars). 4 submissions from 4 submitters: Uncertain significance (4). Last evaluated 2025-05-30.

Conditions:
Cardiovascular phenotype. Identifiers: MedGen CN230736.
Long QT syndrome (LQTS). Identifiers: MedGen C0023976, MeSH D008133, MONDO:0002442. Disease mechanism: loss of function. Inheritance: Various modes of inheritance.

Allele frequency attached by ClinVar (database versions not stated): gnomAD exomes 0.00001; 1000 Genomes Project 0.00020; gnomAD 0.00002 and 0.00001; TOPMed 0.00002; 1000 Genomes Project 30x 0.00016.

Submissions (4):

Ambry Genetics
Classification: Uncertain significance for Cardiovascular phenotype. Last evaluated: 2025-05-30. Review status: criteria provided, single submitter. Criteria: Ambry Variant Classification Scheme 2023. Collection method: clinical testing. Allele origin: germline.
Comment: The p.A67V variant (also known as c.200C>T), located in coding exon 1 of the SNTA1 gene, results from a C to T substitution at nucleotide position 200. The alanine at codon 67 is replaced by valine, an amino acid with similar properties. This amino acid position is conserved. In addition, this alteration is predicted to be tolerated by in silico analysis. Since supporting evidence is limited at this time, the clinical significance of this alteration remains unclear.

Mayo Clinic Laboratories, Mayo Clinic
Classification: Uncertain significance. Last evaluated: 2021-09-10. Review status: criteria provided, single submitter. Criteria: ACMG Guidelines, 2015. Collection method: clinical testing. Allele origin: germline.

Labcorp Genetics (formerly Invitae), Labcorp
Classification: Uncertain significance for Long QT syndrome. Last evaluated: 2019-09-16. Review status: criteria provided, single submitter. Criteria: Invitae Variant Classification Sherloc (09022015). Collection method: clinical testing. Allele origin: germline.
Comment: Algorithms developed to predict the effect of missense changes on protein structure and function (SIFT, PolyPhen-2, Align-GVGD) all suggest that this variant is likely to be tolerated, but these predictions have not been confirmed by published functional studies and their clinical significance is uncertain. This variant has not been reported in the literature in individuals with SNTA1-related disease. While this variant is not present in population databases, the frequency information is unreliable, as metrics indicate poor data quality at this position in the ExAC database. This sequence change replaces alanine with valine at codon 67 of the SNTA1 protein (p.Ala67Val). The alanine residue is weakly conserved and there is a small physicochemical difference between alanine and valine. In summary, the available evidence is currently insufficient to determine the role of this variant in disease. Therefore, it has been classified as a Variant of Uncertain Significance.

Women's Health and Genetics/Laboratory Corporation of America, LabCorp
Classification: Uncertain significance. Last evaluated: 2017-01-30. Review status: criteria provided, single submitter. Criteria: LabCorp Variant Classification Summary - May 2015. Collection method: clinical testing. Allele origin: germline.
Comment: Variant summary: The SNTA1 c.200C>T (p.Ala67Val) variant involves the alteration of a conserved nucleotide. 2/4 in silico tools predict a benign outcome for this variant (SNPs&GO not captured due to low reliability index). This variant is absent in 3084 control chromosomes in ExAC (low quality site). The variant of interest has not, to our knowledge, been reported in affected individuals via publications and/or reputable databases/clinical diagnostic laboratories; nor evaluated for functional impact by in vivo/vitro studies. Because of the absence of clinical information and the lack of functional studies, the variant is classified as a variant of uncertain significance (VUS) until additional information becomes available.

NM_003098.3(SNTA1):c.200C>T (p.Ala67Val)

Gene: SNTA1 (syntrophin alpha 1; minus strand). Cytogenetic location: 20q11.21.
Variant type: single nucleotide variant.
Coding change: c.200C>T on transcript NM_003098.3 (MANE Select); coding-DNA position 200, C replaced by T.
Protein change: p.Ala67Val; replaces alanine 67 with valine.
Molecular consequence: missense variant.
Genome position (GRCh38, 1-based): chr20:33,443,421, G>A on the plus strand (C>T on the coding strand, the complement: SNTA1 is on the minus strand). VCF-style: chr20-33443421-G-A. GRCh37 (hg19) VCF-style: chr20-32031227-G-A.
Other names: p.Ala67Val; short protein forms A67V.
Identifiers: ClinVar variation 496195 (VCV000496195.17), dbSNP rs536755693, ClinGen allele CA313278990.